The following is an entry in ClinVar:

NM_000528.4(MAN2B1):c.856G>A (p.Glu286Lys)

Gene: MAN2B1 (mannosidase alpha class 2B member 1; minus strand). Cytogenetic location: 19p13.13.
Variant type: single nucleotide variant.
Coding change: c.856G>A on transcript NM_000528.4 (MANE Select); coding-DNA position 856, G replaced by A.
Protein change: p.Glu286Lys; replaces glutamic acid 286 with lysine.
Molecular consequence: missense variant.
Genome position (GRCh38, 1-based): chr19:12,663,370, C>T on the plus strand (G>A on the coding strand, the complement: MAN2B1 is on the minus strand). VCF-style: chr19-12663370-C-T. GRCh37 (hg19) VCF-style: chr19-12774184-C-T.
Other names: c.856G>A, p.Glu286Lys (NM_001173498.2); short protein forms E286K.
Identifiers: ClinVar variation 632303 (VCV000632303.38), dbSNP rs772562587, ClinGen allele CA9226691.

ClinVar aggregate classification (germline): Conflicting classifications of pathogenicity. Review status: criteria provided, conflicting classifications (1 of 4 stars). 5 submissions from 5 submitters: Likely pathogenic (3); Uncertain significance (1). 1 of the submissions does not count toward it. Last evaluated 2025-11-10.

Conditions:
Deficiency of alpha-mannosidase (MANSA). Also called: Mannosidosis, alpha-, types I and II; LYSOSOMAL ALPHA-D-MANNOSIDASE DEFICIENCY; Alpha-Mannosidosis. Identifiers: Orphanet 61, MedGen C0024748, MONDO:0009561, OMIM 248500.

Allele frequency attached by ClinVar (database versions not stated): ExAC 0.00001; gnomAD exomes 0.00001; TOPMed 0.00001.
gnomAD v4.1: 12 of 1,614,098 alleles (0.00074%); highest among the groups gnomAD compares: Admixed American, 0.0017%; no homozygotes.

Submissions (5):

Myriad Genetics, Inc.
Classification: Uncertain significance for Deficiency of alpha-mannosidase. Last evaluated: 2025-11-10. Review status: criteria provided, single submitter. Criteria: Myriad Autosomal Dominant, Autosomal Recessive and X-Linked Classification Criteria (2023). Collection method: clinical testing. Allele origin: unknown.
Comment: NM_000528.3(MAN2B1):c.856G>A(E286K) is a missense variant classified as a variant of uncertain significance in the context of alpha-mannosidosis. E286K has been observed in a case with relevant disease (PMID: 24353136). Relevant functional assessments of this variant are not available in the literature. E286K has been observed in referenced population frequency databases. In summary, there is insufficient evidence to classify NM_000528.3(MAN2B1):c.856G>A(E286K) as pathogenic or benign. Please note: this variant was assessed in the context of healthy population screening.

GeneDx
Classification: Likely pathogenic. Last evaluated: 2025-01-25. Review status: criteria provided, single submitter. Criteria: GeneDx Variant Classification Process June 2021. Collection method: clinical testing. Allele origin: germline. Affected: yes.
Comment: Not observed at significant frequency in large population cohorts (gnomAD); In silico analysis supports that this missense variant has a deleterious effect on protein structure/function; This variant is associated with the following publications: (PMID: 24353136)

CeGaT Center for Human Genetics Tuebingen
Classification: Likely pathogenic. Last evaluated: 2022-10-01. Review status: criteria provided, single submitter. Criteria: CeGaT Center For Human Genetics Tuebingen Variant Classification Criteria Version 2. Collection method: clinical testing. Allele origin: germline. Affected: yes. Observed: 1 variant allele.
Comment: MAN2B1: PM2, PM3, PP1, PP4

Juno Genomics, Hangzhou Juno Genomics, Inc
Classification: Likely pathogenic for Deficiency of alpha-mannosidase. Review status: criteria provided, single submitter. Criteria: ACMG Guidelines, 2015. Collection method: clinical testing. Allele origin: germline.
Comment: Absent from controls (or at extremely low frequency if recessive) in Genome Aggregation Database.;Multiple lines of computational evidence support a deleterious effect on the gene or gene product.;For recessive disorders, detected in trans with a pathogenic variant.;Patient's phenotype or family history is highly specific for a disease with a single genetic etiology.

Centre de Biologie Pathologie Génétique, Centre Hospitalier Universitaire de Lille
Classification: Likely pathogenic for Deficiency of alpha-mannosidase. Last evaluated: 2019-01-01. Review status: no assertion criteria provided. Collection method: clinical testing. Allele origin: unknown. Affected: yes. Not counted in ClinVar's aggregate classification.

Literature cited by the submitters: PubMed 24353136 (cited by Myriad Genetics, Inc.).